The following is an entry in ClinVar:

NM_133433.4(NIPBL):c.1495G>C (p.Asp499His)

Gene: NIPBL (NIPBL cohesin loading factor; plus strand). Cytogenetic location: 5p13.2.
Variant type: single nucleotide variant.
Coding change: c.1495G>C on transcript NM_133433.4 (MANE Select); coding-DNA position 1495, G replaced by C.
Protein change: p.Asp499His; replaces aspartic acid 499 with histidine.
Molecular consequence: missense variant.
Genome position (GRCh38, 1-based): chr5:36,976,402, G>C. VCF-style: chr5-36976402-G-C. GRCh37 (hg19) VCF-style: chr5-36976504-G-C.
Other names: c.1495G>C, p.Asp499His (NM_015384.5); short protein forms D499H.
Identifiers: ClinVar variation 2841159 (VCV002841159.3), dbSNP rs2479131200, ClinGen allele CA359488186.

ClinVar aggregate classification (germline): Pathogenic (1 of 4 stars; one submission).

Conditions:
Cornelia de Lange syndrome 1 (CDLS1). Also called: Brachmann de Lange syndrome; TYPUS DEGENERATIVUS AMSTELODAMENSIS; NIPBL-Related Cornelia de Lange Syndrome. Identifiers: Orphanet 199, MedGen C4551851, MONDO:0007387, OMIM 122470.

Submission:

Labcorp Genetics (formerly Invitae), Labcorp
Classification: Pathogenic for Cornelia de Lange syndrome 1. Last evaluated: 2023-04-18. Review status: criteria provided, single submitter. Criteria: Invitae Variant Classification Sherloc (09022015). Collection method: clinical testing. Allele origin: germline.
Comment: This sequence change replaces aspartic acid, which is acidic and polar, with histidine, which is basic and polar, at codon 499 of the NIPBL protein (p.Asp499His). This variant also falls at the last nucleotide of exon 9, which is part of the consensus splice site for this exon. For these reasons, this variant has been classified as Pathogenic. Variants that disrupt the consensus splice site are a relatively common cause of aberrant splicing (PMID: 17576681, 9536098). Algorithms developed to predict the effect of sequence changes on RNA splicing suggest that this variant may disrupt the consensus splice site. An algorithm developed to predict the effect of missense changes on protein structure and function (PolyPhen-2) suggests that this variant is likely to be disruptive. This missense change has been observed in individual(s) with clinical features of Cornelia de Lange syndrome (Invitae). In at least one individual the variant was observed to be de novo. This variant is not present in population databases (gnomAD no frequency).

Literature cited by the submitters: PubMed 17576681; PubMed 9536098.